The following is an entry in ClinVar:

NM_003247.5(THBS2):c.777G>A (p.Ser259=)

Gene: THBS2 (thrombospondin 2; minus strand). Cytogenetic location: 6q27.
Variant type: single nucleotide variant.
Coding change: c.777G>A on transcript NM_003247.5 (MANE Select); coding-DNA position 777, G replaced by A.
Protein change: p.Ser259=; no amino-acid change (serine 259 retained).
Molecular consequence: synonymous variant. On other transcripts: non-coding transcript variant (2).
Genome position (GRCh38, 1-based): chr6:169,241,876, C>T on the plus strand (G>A on the coding strand, the complement: THBS2 is on the minus strand). VCF-style: chr6-169241876-C-T. GRCh37 (hg19) VCF-style: chr6-169641971-C-T.
Other names: c.777G>A, p.Ser259= (NM_001381939.1, NM_001381940.1, NM_001381941.1); c.546G>A, p.Ser182= (NM_001381942.1).
Identifiers: ClinVar variation 3056459 (VCV003056459.2), dbSNP rs61730651, ClinGen allele CA4103539.

ClinVar aggregate classification (germline): Benign (0 of 4 stars; one submission).

Conditions:
THBS2-related disorder. Also called: THBS2-related condition.

Allele frequency attached by ClinVar (database versions not stated): 1000 Genomes Project 30x 0.09119; 1000 Genomes Project 0.09285; TOPMed 0.12328; gnomAD 0.13902; ESP Exome Variant Server 0.14329; ExAC 0.15597; gnomAD exomes 0.18247.
gnomAD v4.1: 286,261 of 1,612,152 alleles (18%); highest among the groups gnomAD compares: Non-Finnish European, 20%; 27,851 homozygotes.

Submission:

PreventionGenetics, part of Exact Sciences
Classification: Benign for THBS2-related condition. Last evaluated: 2019-10-21. Review status: no assertion criteria provided. Collection method: clinical testing. Allele origin: germline.
Comment: This variant is classified as benign based on ACMG/AMP sequence variant interpretation guidelines (Richards et al. 2015 PMID: 25741868, with internal and published modifications).